The following is an entry in ClinVar:

ClinVar aggregate classification (germline): Pathogenic (1 of 4 stars; one submission).

Conditions:
Hemoglobinopathy. Also called: Hemoglobin disorder; Haemoglobinopathies. Identifiers: MedGen C0019045, MONDO:0044348.

Submission:

Women's Health and Genetics/Laboratory Corporation of America, LabCorp
Classification: Pathogenic for Hemoglobinopathy. Last evaluated: 2023-07-10. Review status: criteria provided, single submitter. Criteria: LabCorp Variant Classification Summary - May 2015. Collection method: clinical testing. Allele origin: germline.
Comment: Variant summary: HBB c.118_121dupCAGA (p.Arg41ThrfsX5) results in a premature termination codon, predicted to cause absence of the protein due to nonsense mediated decay, which is a commonly known mechanism for disease. The variant was absent in 251398 control chromosomes (gnomAD). To our knowledge, no occurrence of c.118_121dupCAGA in individuals affected with Hemoglobinopathy and no experimental evidence demonstrating its impact on protein function have been reported. No submitters have cited clinical-significance assessments for this variant to ClinVar after 2014. Based on the evidence outlined above, the variant was classified as pathogenic.

NM_000518.5(HBB):c.118_121dup (p.Arg41fs)

Genes: HBB (hemoglobin subunit beta; minus strand), LOC106099062 (HBB recombination region; plus strand), LOC107133510 (origin of replication at HBB; plus strand). Cytogenetic location: 11p15.4.
Variant type: Duplication.
Coding change: c.118_121dup on transcript NM_000518.5 (MANE Select); coding-DNA positions 118 to 121, 4 bases duplicated (CAGA; older notation c.118_121dupCAGA).
Protein change: p.Arg41fs; shifts the reading frame from arginine 41.
Molecular consequence: frameshift variant.
Genome position (GRCh38, 1-based): chr11:5,226,771-5,226,774, TCTG duplicated on the plus strand (CAGA on the coding strand, the reverse complement: HBB is on the minus strand). VCF-style (leftmost placement, unchanged base first): chr11-5226770-C-CTCTG. GRCh37 (hg19) VCF-style: chr11-5248000-C-CTCTG.
Other names: short protein forms R41fs.
Identifiers: ClinVar variation 2577315 (VCV002577315.1), dbSNP rs2494296091, ClinGen allele CA2580615626.